The following is an entry in ClinVar:

ClinVar aggregate classification (germline): Likely benign. Review status: criteria provided, multiple submitters, no conflicts (2 of 4 stars). 3 submissions from 3 submitters: Likely benign (3). Last evaluated 2025-07-13.

Conditions:
Autosomal recessive limb-girdle muscular dystrophy type 2Q (LGMDR17). Also called: MUSCULAR DYSTROPHY, LIMB-GIRDLE, AUTOSOMAL RECESSIVE 17. Identifiers: Orphanet 254361, MedGen C3150989, MONDO:0013390, OMIM 613723.
Epidermolysis bullosa simplex 5C, with pyloric atresia (EBS5C). Also called: PLEC-Related Epidermolysis Bullosa with Pyloric Atresia; Epidermolysis bullosa simplex with pyloric atresia; PLEC1-Related Epidermolysis Bullosa with Pyloric Atresia. Identifiers: Orphanet 158684, MedGen C2677349, MONDO:0012807, OMIM 612138.
Epidermolysis bullosa simplex 5B, with muscular dystrophy (EBS5B). Also called: EPIDERMOLYSIS BULLOSA SIMPLEX AND LIMB-GIRDLE MUSCULAR DYSTROPHY; Epidermolysis bullosa simplex with muscular dystrophy. Identifiers: Orphanet 257, MedGen C2931072, MONDO:0009181, OMIM 226670.
Epidermolysis bullosa simplex with nail dystrophy (EBS5D). Identifiers: MedGen C4225309, MONDO:0014661, OMIM 616487.
Epidermolysis bullosa simplex, Ogna type (EBS5A). Also called: Pidermolysis bullosa simplex 5A, Ogna type; EPIDERMOLYSIS BULLOSA SIMPLEX 5A, OGNA TYPE. Identifiers: Orphanet 79401, MedGen C0432317, MONDO:0007555, OMIM 131950.

Allele frequency attached by ClinVar (database versions not stated): gnomAD exomes 0.00001; TOPMed 0.00001; gnomAD 0.00003.
gnomAD v4.1: 13 of 1,540,286 alleles (0.00084%); highest among the groups gnomAD compares: South Asian, 0.0012%; no homozygotes.

Submissions (3):

Labcorp Genetics (formerly Invitae), Labcorp
Classification: Likely benign for Autosomal recessive limb-girdle muscular dystrophy type 2Q; Epidermolysis bullosa simplex, Ogna type; Epidermolysis bullosa simplex with nail dystrophy; Epidermolysis bullosa simplex 5C, with pyloric atresia; Epidermolysis bullosa simplex 5B, with muscular dystrophy. Last evaluated: 2025-07-13. Review status: criteria provided, single submitter. Criteria: Invitae Variant Classification Sherloc (09022015). Collection method: clinical testing. Allele origin: germline.

Mayo Clinic Laboratories, Mayo Clinic
Classification: Likely benign. Last evaluated: 2024-12-31. Review status: criteria provided, single submitter. Criteria: ACMG Guidelines, 2015. Collection method: clinical testing. Allele origin: germline. Observed: 2 variant alleles.
Comment: BP4, BP7

Blueprint Genetics
Classification: Likely benign. Last evaluated: 2024-11-26. Review status: criteria provided, single submitter. Criteria: ACMG Guidelines, 2015. Collection method: clinical testing. Allele origin: germline.

NM_201384.3(PLEC):c.4851G>A (p.Gln1617=)

Gene: PLEC (plectin; minus strand). Cytogenetic location: 8q24.3.
Variant type: single nucleotide variant.
Coding change: c.4851G>A on transcript NM_201384.3 (MANE Select); coding-DNA position 4851, G replaced by A.
Protein change: p.Gln1617=; no amino-acid change (glutamine 1617 retained).
Molecular consequence: synonymous variant.
Genome position (GRCh38, 1-based): chr8:143,925,078, C>T on the plus strand (G>A on the coding strand, the complement: PLEC is on the minus strand). VCF-style: chr8-143925078-C-T. GRCh37 (hg19) VCF-style: chr8-144999246-C-T.
Other names: p.Gln1603=; c.4932G>A, p.Gln1644= (NM_000445.5); c.4809G>A, p.Gln1603= (NM_201378.4); c.4785G>A, p.Gln1595= (NM_201379.3); c.5262G>A, p.Gln1754= (NM_201380.4); c.4755G>A, p.Gln1585= (NM_201381.3); c.4851G>A, p.Gln1617= (NM_201382.4); c.4863G>A, p.Gln1621= (NM_201383.3).
Identifiers: ClinVar variation 785001 (VCV000785001.9), dbSNP rs1419478027, ClinGen allele CA463535073.